The following is an entry in ClinVar:

ClinVar aggregate classification (germline): Uncertain significance (1 of 4 stars; one submission).

Conditions:
Familial adenomatous polyposis 2. Also called: COLORECTAL ADENOMATOUS POLYPOSIS, AUTOSOMAL RECESSIVE; ADENOMAS, MULTIPLE COLORECTAL, AUTOSOMAL RECESSIVE; MYH-associated polyposis; Adenomas, multiple colorectal; FAP type 2; MUTYH-associated polyposis. Identifiers: Orphanet 220460, Orphanet 247798, MedGen C3272841, MONDO:0012041, OMIM 608456.

Submission:

Labcorp Genetics (formerly Invitae), Labcorp
Classification: Uncertain significance for Familial adenomatous polyposis 2. Last evaluated: 2024-10-16. Review status: criteria provided, single submitter. Criteria: Invitae Variant Classification Sherloc (09022015). Collection method: clinical testing. Allele origin: germline.
Comment: This sequence change falls in intron 12 of the MUTYH gene. It does not directly change the encoded amino acid sequence of the MUTYH protein. It affects a nucleotide within the consensus splice site. This variant is not present in population databases (gnomAD no frequency). This variant has not been reported in the literature in individuals affected with MUTYH-related conditions. Variants that disrupt the consensus splice site are a relatively common cause of aberrant splicing (PMID: 17576681, 9536098). Algorithms developed to predict the effect of sequence changes on RNA splicing suggest that this variant may disrupt the consensus splice site. In summary, the available evidence is currently insufficient to determine the role of this variant in disease. Therefore, it has been classified as a Variant of Uncertain Significance.

Literature cited by the submitters: PubMed 17576681; PubMed 9536098.

NM_001048174.2(MUTYH):c.1102+3A>G

Gene: MUTYH (mutY DNA glycosylase; minus strand). Cytogenetic location: 1p34.1.
Variant type: single nucleotide variant.
Coding change: c.1102+3A>G on transcript NM_001048174.2 (MANE Select); 3 bases into the intron after coding-DNA position 1102, A replaced by G.
Molecular consequence: intron variant.
Genome position (GRCh38, 1-based): chr1:45,331,658, T>C on the plus strand (A>G on the coding strand, the complement: MUTYH is on the minus strand). VCF-style: chr1-45331658-T-C. GRCh37 (hg19) VCF-style: chr1-45797330-T-C.
Other names: c.1102+3A>G (NM_001407072.1, NM_001407073.1, NM_001048171.2 and 6 more transcripts); c.757+3A>G (NM_001350651.2, NM_001350650.2, NM_001407082.1); c.826+3A>G (NM_001293192.2, NM_001293196.2, NM_001407091.1); c.1147+3A>G (NM_001293190.2); c.1135+3A>G (NM_001407069.1, NM_001407077.1, NM_001293191.2); c.1177+3A>G (NM_012222.3); c.1186+3A>G (NM_001128425.2); c.1105+3A>G (NM_001407071.1, NM_001048172.2, NM_001407078.1 and 1 more transcripts); and 5 more.
Identifiers: ClinVar variation 3723019 (VCV003723019.2).